The following is an entry in ClinVar:

NM_004006.3(DMD):c.3129A>G (p.Leu1043=)

Gene: DMD (dystrophin; minus strand). Cytogenetic location: Xp21.1.
Variant type: single nucleotide variant.
Coding change: c.3129A>G on transcript NM_004006.3 (MANE Select); coding-DNA position 3129, A replaced by G.
Protein change: p.Leu1043=; no amino-acid change (leucine 1043 retained).
Molecular consequence: synonymous variant.
Genome position (GRCh38, 1-based): chrX:32,468,531, T>C on the plus strand (A>G on the coding strand, the complement: DMD is on the minus strand). VCF-style: chrX-32468531-T-C. GRCh37 (hg19) VCF-style: chrX-32486648-T-C.
Other names: c.3105A>G, p.Leu1035= (NM_000109.4); c.3117A>G, p.Leu1039= (NM_004009.3); c.2760A>G, p.Leu920= (NM_004010.3).
Identifiers: ClinVar variation 796810 (VCV000796810.15), dbSNP rs1603634201, ClinGen allele CA515715744.

ClinVar aggregate classification (germline): Likely benign. Review status: criteria provided, multiple submitters, no conflicts (2 of 4 stars). 2 submissions from 2 submitters: Likely benign (2). Last evaluated 2026-02-01.

Conditions:
Duchenne muscular dystrophy (DMD). Also called: MUSCULAR DYSTROPHY, PSEUDOHYPERTROPHIC PROGRESSIVE, DUCHENNE TYPE; Duchenne Muscular Dystrophy (DMD). Identifiers: Orphanet 98896, MedGen C0013264, MONDO:0010679, OMIM 310200.

Allele frequency attached by ClinVar (database versions not stated): gnomAD exomes below 0.00001.
gnomAD v4.1: 1 of 1,209,867 alleles (0.000083%); highest among the groups gnomAD compares: Non-Finnish European, 0.00011%; no homozygotes.

Submissions (2):

CeGaT Center for Human Genetics Tuebingen
Classification: Likely benign. Last evaluated: 2026-02-01. Review status: criteria provided, single submitter. Criteria: CeGaT Center For Human Genetics Tuebingen Variant Classification Criteria Version 2. Collection method: clinical testing. Allele origin: germline. Affected: yes. Observed: 1 variant allele.
Comment: DMD: BP4, BP7

Labcorp Genetics (formerly Invitae), Labcorp
Classification: Likely benign for Duchenne muscular dystrophy. Last evaluated: 2024-05-18. Review status: criteria provided, single submitter. Criteria: Invitae Variant Classification Sherloc (09022015). Collection method: clinical testing. Allele origin: germline.